The following is an entry in ClinVar:

NM_014249.4(NR2E3):c.464G>A (p.Arg155His)

Gene: NR2E3 (nuclear receptor subfamily 2 group E member 3; plus strand). Cytogenetic location: 15q23.
Variant type: single nucleotide variant.
Coding change: c.464G>A on transcript NM_014249.4 (MANE Select); coding-DNA position 464, G replaced by A.
Protein change: p.Arg155His; replaces arginine 155 with histidine.
Molecular consequence: missense variant.
Genome position (GRCh38, 1-based): chr15:71,812,069, G>A. VCF-style: chr15-71812069-G-A. GRCh37 (hg19) VCF-style: chr15-72104409-G-A.
Other names: c.464G>A, p.Arg155His (NM_016346.4); short protein forms R155H.
Identifiers: ClinVar variation 866331 (VCV000866331.6), dbSNP rs1361341993, ClinGen allele CA393034560.

ClinVar aggregate classification (germline): Uncertain significance. Review status: criteria provided, multiple submitters, no conflicts (2 of 4 stars). 3 submissions from 3 submitters: Uncertain significance (2). 1 of the submissions does not count toward it. Last evaluated 2025-08-14.

Conditions:
Enhanced S-cone syndrome (ESCS). Identifiers: Orphanet 53540, MedGen C1849394, MONDO:0100288, MONDO:0009989.

Allele frequency attached by ClinVar (database versions not stated): TOPMed below 0.00001; gnomAD exomes 0.00003.
gnomAD v4.1: 30 of 1,552,660 alleles (0.0019%); highest among the groups gnomAD compares: Admixed American, 0.0039%; no homozygotes.

Submissions (3):

Labcorp Genetics (formerly Invitae), Labcorp
Classification: Uncertain significance. Last evaluated: 2025-08-14. Review status: criteria provided, single submitter. Criteria: Invitae Variant Classification Sherloc (09022015). Collection method: clinical testing. Allele origin: germline.
Comment: This sequence change replaces arginine, which is basic and polar, with histidine, which is basic and polar, at codon 155 of the NR2E3 protein (p.Arg155His). The frequency data for this variant in the population databases is considered unreliable, as metrics indicate poor data quality at this position in the gnomAD database. This variant has not been reported in the literature in individuals affected with NR2E3-related conditions. ClinVar contains an entry for this variant (Variation ID: 866331). Invitae Evidence Modeling of protein sequence and biophysical properties (such as structural, functional, and spatial information, amino acid conservation, physicochemical variation, residue mobility, and thermodynamic stability) indicates that this missense variant is not expected to disrupt NR2E3 protein function with a negative predictive value of 95%. In summary, the available evidence is currently insufficient to determine the role of this variant in disease. Therefore, it has been classified as a Variant of Uncertain Significance.

Blueprint Genetics
Classification: Uncertain significance. Last evaluated: 2024-08-12. Review status: criteria provided, single submitter. Criteria: ACMG Guidelines, 2015. Collection method: clinical testing. Allele origin: germline.

Natera, Inc.
Classification: Uncertain significance for Enhanced S cone syndrome. Last evaluated: 2020-02-26. Review status: no assertion criteria provided. Collection method: clinical testing. Allele origin: germline. Not counted in ClinVar's aggregate classification.